The following is an entry in ClinVar:

NM_198565.3(NRROS):c.1620C>G (p.Asp540Glu)

Gene: NRROS (negative regulator of reactive oxygen species; plus strand). Cytogenetic location: 3q29.
Variant type: single nucleotide variant.
Coding change: c.1620C>G on transcript NM_198565.3 (MANE Select); coding-DNA position 1620, C replaced by G.
Protein change: p.Asp540Glu; replaces aspartic acid 540 with glutamic acid.
Molecular consequence: missense variant.
Genome position (GRCh38, 1-based): chr3:196,661,263, C>G. VCF-style: chr3-196661263-C-G. GRCh37 (hg19) VCF-style: chr3-196388134-C-G.
Other names: short protein forms D540E.
Identifiers: ClinVar variation 4983055 (VCV004983055.1).

ClinVar aggregate classification (germline): Likely benign (1 of 4 stars; one submission).

Conditions:
NRROS-related disorder. Also called: NRROS-related condition.

gnomAD v4.1: 408 of 1,613,926 alleles (0.025%); highest among the groups gnomAD compares: African/African-American, 0.48%; no homozygotes.

Submission:

PreventionGenetics, part of Exact Sciences
Classification: Likely benign for NRROS-related condition. Last evaluated: 2026-02-24. Review status: criteria provided, single submitter. Criteria: ACMG Guidelines, 2015. Collection method: clinical testing. Allele origin: germline.
Comment: This variant is classified as likely benign based on ACMG/AMP sequence variant interpretation guidelines (Richards et al. 2015 PMID: 25741868, with internal and published modifications).